The following is an entry in ClinVar:

ClinVar aggregate classification (germline): Likely benign (1 of 4 stars; one submission).

Conditions:
PLXNA3-related disorder. Also called: PLXNA3-related condition.

gnomAD v4.1: 53 of 1,209,166 alleles (0.0044%); highest among the groups gnomAD compares: African/African-American, 0.007%; no homozygotes.

Submission:

PreventionGenetics, part of Exact Sciences
Classification: Likely benign for PLXNA3-related condition. Last evaluated: 2026-08-24. Review status: criteria provided, single submitter. Criteria: ACMG Guidelines, 2015. Collection method: clinical testing. Allele origin: germline.
Comment: This variant is classified as likely benign based on ACMG/AMP sequence variant interpretation guidelines (Richards et al. 2015 PMID: 25741868, with internal and published modifications).

NM_017514.5(PLXNA3):c.2170C>T (p.Arg724Trp)

Gene: PLXNA3 (plexin A3; plus strand). Cytogenetic location: Xq28.
Variant type: single nucleotide variant.
Coding change: c.2170C>T on transcript NM_017514.5 (MANE Select); coding-DNA position 2170, C replaced by T.
Protein change: p.Arg724Trp; replaces arginine 724 with tryptophan.
Molecular consequence: missense variant.
Genome position (GRCh38, 1-based): chrX:154,465,144, C>T. VCF-style: chrX-154465144-C-T. GRCh37 (hg19) VCF-style: chrX-153693487-C-T.
Other names: short protein forms R724W.
Identifiers: ClinVar variation 3358718 (VCV003358718.2).